The following is an entry in ClinVar:

ClinVar aggregate classification (germline): Uncertain significance (1 of 4 stars; one submission).

Allele frequency attached by ClinVar (database versions not stated): TOPMed 0.00003.
gnomAD v4.1: 101 of 1,614,040 alleles (0.0063%); highest among the groups gnomAD compares: Non-Finnish European, 0.0076%; no homozygotes.

Submission:

Labcorp Genetics (formerly Invitae), Labcorp
Classification: Uncertain significance. Last evaluated: 2025-06-15. Review status: criteria provided, single submitter. Criteria: Invitae Variant Classification Sherloc (09022015). Collection method: clinical testing. Allele origin: germline.
Comment: This sequence change replaces serine, which is neutral and polar, with tyrosine, which is neutral and polar, at codon 985 of the NIN protein (p.Ser985Tyr). This variant is present in population databases (rs765552945, gnomAD 0.004%). This variant has not been reported in the literature in individuals affected with NIN-related conditions. ClinVar contains an entry for this variant (Variation ID: 2711378). An algorithm developed to predict the effect of missense changes on protein structure and function (PolyPhen-2) suggests that this variant is likely to be disruptive. In summary, the available evidence is currently insufficient to determine the role of this variant in disease. Therefore, it has been classified as a Variant of Uncertain Significance.

NM_020921.4(NIN):c.2954C>A (p.Ser985Tyr)

Gene: NIN (ninein; minus strand). Cytogenetic location: 14q22.1.
Variant type: single nucleotide variant.
Coding change: c.2954C>A on transcript NM_020921.4 (MANE Select); coding-DNA position 2954, C replaced by A.
Protein change: p.Ser985Tyr; replaces serine 985 with tyrosine.
Molecular consequence: missense variant. On other transcripts: intron variant (1).
Genome position (GRCh38, 1-based): chr14:50,758,076, G>T on the plus strand (C>A on the coding strand, the complement: NIN is on the minus strand). VCF-style: chr14-50758076-G-T. GRCh37 (hg19) VCF-style: chr14-51224794-G-T.
Other names: c.2954C>A, p.Ser985Tyr (NM_182944.3, NM_182946.2); c.2399+1781C>A (NM_016350.5); short protein forms S985Y.
Identifiers: ClinVar variation 2711378 (VCV002711378.3), dbSNP rs765552945, ClinGen allele CA7181832.